The following is an entry in ClinVar:

NM_000218.3(KCNQ1):c.1078A>G (p.Arg360Gly)

Gene: KCNQ1 (potassium voltage-gated channel subfamily Q member 1; plus strand). Cytogenetic location: 11p15.5.
Variant type: single nucleotide variant.
Coding change: c.1078A>G on transcript NM_000218.3 (MANE Select); coding-DNA position 1078, A replaced by G.
Protein change: p.Arg360Gly; replaces arginine 360 with glycine.
Molecular consequence: missense variant.
Genome position (GRCh38, 1-based): chr11:2,585,257, A>G. VCF-style: chr11-2585257-A-G. GRCh37 (hg19) VCF-style: chr11-2606487-A-G.
Other names: c.1078A>G (LRG_287t1); c.808A>G, p.Arg270Gly (NM_001406837.1); c.697A>G, p.Arg233Gly (NM_181798.2); short protein forms R360G, R233G, R270G.
Identifiers: ClinVar variation 67009 (VCV000067009.4), dbSNP rs199473406, ClinGen allele CA005181.

ClinVar aggregate classification (germline): Pathogenic. Review status: criteria provided, single submitter (1 of 4 stars). 2 submissions from 2 submitters: Pathogenic (1). 1 of the submissions does not count toward it. Last evaluated 2024-07-18.

Conditions:
Familial long QT syndrome (RWS). Also called: Congenital long QT syndrome; Romano-Ward syndrome; VENTRICULAR FIBRILLATION WITH PROLONGED QT INTERVAL. Identifiers: Orphanet 768, MedGen C1141890, MONDO:0019171.

Submissions (2):

GeneDx
Classification: Pathogenic. Last evaluated: 2024-07-18. Review status: criteria provided, single submitter. Criteria: GeneDx Variant Classification Process June 2021. Collection method: clinical testing. Allele origin: germline. Affected: yes.
Comment: Functional studies demonstrate a damaging effect through reduced I-Ks current density and non-measurable half-maximal voltage of activation, suggesting a dominant negative effect (PMID: 19808498); Not observed at significant frequency in large population cohorts (gnomAD); In silico analysis supports that this missense variant has a deleterious effect on protein structure/function; This variant is associated with the following publications: (PMID: 19862833, 25525159, 17470695, 21131640, 27920829, 19490272, 17905336, 19808498)

Cardiovascular Biomedical Research Unit, Royal Brompton & Harefield NHS Foundation Trust
No classification provided. Condition: Familial long QT syndrome. Review status: no classification provided. Collection method: literature only. Allele origin: germline. Not counted in ClinVar's aggregate classification.
Comment: This variant has been reported as associated with Long QT syndrome in the following publications (PMID:17470695;PMID:17905336;PMID:19808498). This is a literature report, and does not necessarily reflect the clinical interpretation of the Imperial College / Royal Brompton Cardiovascular Genetics laboratory.

Literature cited by the submitters: PubMed 17470695 (cited by Cardiovascular Biomedical Research Unit, Royal Brompton & Harefield NHS Foundation Trust); PubMed 17905336 (cited by Cardiovascular Biomedical Research Unit, Royal Brompton & Harefield NHS Foundation Trust); PubMed 19808498 (cited by Cardiovascular Biomedical Research Unit, Royal Brompton & Harefield NHS Foundation Trust); PubMed 22581653 (cited by Cardiovascular Biomedical Research Unit, Royal Brompton & Harefield NHS Foundation Trust).